The following is an entry in ClinVar:

ClinVar aggregate classification (germline): Pathogenic/Likely pathogenic. Review status: criteria provided, multiple submitters, no conflicts (2 of 4 stars). 2 submissions from 2 submitters: Pathogenic (1); Likely pathogenic (1). Last evaluated 2024-12-09.

Conditions:
RET-related disorder. Also called: RET-related disorders; RET-related condition; RET-related disease.

Submissions (2):

GeneDx
Classification: Pathogenic. Last evaluated: 2024-12-09. Review status: criteria provided, single submitter. Criteria: GeneDx Variant Classification Process June 2021. Collection method: clinical testing. Allele origin: germline. Affected: yes.
Comment: Frameshift variant predicted to result in protein truncation or nonsense mediated decay in a gene for which loss of function is a known mechanism of disease; Not observed at significant frequency in large population cohorts (gnomAD); Has not been previously published as pathogenic or benign to our knowledge

PreventionGenetics, part of Exact Sciences
Classification: Likely pathogenic for RET-related condition. Last evaluated: 2023-09-08. Review status: criteria provided, single submitter. Criteria: ACMG Guidelines, 2015. Collection method: clinical testing. Allele origin: germline.
Comment: The RET c.2853delC variant is predicted to result in a frameshift and premature protein termination (p.Tyr952Ilefs*13). To our knowledge, this variant has not been reported in the literature or in a large population database, indicating this variant is rare. Frameshift variants in RET are expected to be pathogenic. This variant is interpreted as likely pathogenic.

NM_020975.6(RET):c.2853del (p.Tyr952fs)

Gene: RET (ret proto-oncogene; plus strand). Cytogenetic location: 10q11.21.
Variant type: Deletion.
Coding change: c.2853del on transcript NM_020975.6 (MANE Select); coding-DNA position 2853, one base deleted (C; older notation c.2853delC).
Protein change: p.Tyr952fs; shifts the reading frame from tyrosine 952.
Molecular consequence: frameshift variant.
Genome position (GRCh38, 1-based): chr10:43,123,722, C deleted; the last of 4 consecutive C bases (chr10:43,123,719-43,123,722); deleting any one gives the same sequence. VCF-style (leftmost placement, unchanged base first): chr10-43123718-AC-A. GRCh37 (hg19) VCF-style: chr10-43619166-AC-A.
Other names: c.2853delC, p.Tyr952Ilefs (NM_000323.2, NM_020629.2, NM_020975.4); c.2091del, p.Tyr698fs (NM_001355216.2); c.2853del, p.Tyr952fs (NM_001406743.1, NM_001406744.1, NM_001406759.1 and 2 more transcripts); c.2724del, p.Tyr909fs (NM_001406761.1, NM_001406762.1, NM_001406764.1); c.2718del, p.Tyr907fs (NM_001406763.1, NM_001406765.1); c.2565del, p.Tyr856fs (NM_001406766.1, NM_001406767.1, NM_001406770.1); c.2589del, p.Tyr864fs (NM_001406768.1); c.2457del, p.Tyr820fs (NM_001406769.1, NM_001406772.1); and 12 more; short protein forms Y469fs, Y517fs, Y557fs, Y608fs, Y610fs, Y613fs, Y622fs, Y653fs.
Identifiers: ClinVar variation 2630657 (VCV002630657.2), dbSNP rs2538615387, ClinGen allele CA2695199467.
Genomic context (GRCh38, chr10:43,123,718, plus strand): 5'-TCACTCTCTGCAGATGGTCTTTTGGTGTCCTGCTGTGGGAGATCGTGACCCTAGGGGGAA[AC>A]CCCTATCCTGGGATTCCTCCTGAGCGGCTCTTCAACCTTCTGAAGACCGGCCACCGGATG-3'